The following is an entry in ClinVar:

ClinVar aggregate classification (germline): Conflicting classifications of pathogenicity. Review status: criteria provided, conflicting classifications (1 of 4 stars). 2 submissions from 2 submitters: Uncertain significance (1); Likely benign (1). Last evaluated 2023-09-19.

Allele frequency attached by ClinVar (database versions not stated): gnomAD 0.00001; TOPMed 0.00002 and 0.00003.
gnomAD v4.1: 3 of 1,528,974 alleles (0.0002%); highest among the groups gnomAD compares: Admixed American, 0.002%; no homozygotes.

Submissions (2):

Greenwood Genetic Center Diagnostic Laboratories, Greenwood Genetic Center
Classification: Uncertain significance. Last evaluated: 2023-09-19. Review status: criteria provided, single submitter. Criteria: ACMG Guidelines, 2015. Collection method: clinical testing. Allele origin: germline. Affected: yes.
Comment: PM2

Genetic Services Laboratory, University of Chicago
Classification: Likely benign. Last evaluated: 2015-02-04. Review status: criteria provided, single submitter. Criteria: ACMG Guidelines, 2015. Collection method: clinical testing. Allele origin: germline.

NM_001374828.1(ARID1B):c.283G>A (p.Gly95Ser)

Genes: ARID1B (AT-rich interaction domain 1B; plus strand), LOC115308161 (uncharacterized LOC115308161; minus strand), LOC129997523 (ATAC-STARR-seq lymphoblastoid silent region 17710; plus strand). Cytogenetic location: 6q25.3.
Variant type: single nucleotide variant.
Coding change: c.283G>A on transcript NM_001374828.1 (MANE Select); coding-DNA position 283, G replaced by A.
Protein change: p.Gly95Ser; replaces glycine 95 with serine.
Molecular consequence: missense variant.
Genome position (GRCh38, 1-based): chr6:156,777,963, G>A. VCF-style: chr6-156777963-G-A. GRCh37 (hg19) VCF-style: chr6-157099097-G-A.
Other names: c.34G>A, p.Gly12Ser (NM_020732.3); c.283G>A, p.Gly95Ser (NM_001371656.1, NM_001374820.1, NM_017519.3); short protein forms G12S, G95S.
Identifiers: ClinVar variation 210283 (VCV000210283.7), dbSNP rs797045273, ClinGen allele CA208385.